The following is an entry in ClinVar:

ClinVar aggregate classification (germline): Uncertain significance. Review status: criteria provided, multiple submitters, no conflicts (2 of 4 stars). 2 submissions from 2 submitters: Uncertain significance (2). Last evaluated 2026-08-10.

Conditions:
Brachyolmia-amelogenesis imperfecta syndrome. Also called: Tooth agenesis, selective, 6; Dental anomalies and short stature; PLATYSPONDYLY WITH AMELOGENESIS IMPERFECTA. Identifiers: Orphanet 2899, MedGen C1832594, MONDO:0011018, OMIM 601216. Disease mechanism: loss of function.
Inborn genetic diseases. Identifiers: MedGen C0950123, MeSH D030342.

Submissions (2):

Ambry Genetics
Classification: Uncertain significance for Inborn genetic diseases. Last evaluated: 2026-08-10. Review status: criteria provided, single submitter. Criteria: Ambry Variant Classification Scheme 2023. Collection method: clinical testing. Allele origin: germline.
Comment: The p.V179M variant (also known as c.535G>A), located in coding exon 2 of the LTBP3 gene, results from a G to A substitution at nucleotide position 535. The valine at codon 179 is replaced by methionine, an amino acid with highly similar properties. This amino acid position is conserved. In addition, this alteration is predicted to be tolerated by in silico analysis. Based on the available evidence, the clinical significance of this variant remains unclear.

Labcorp Genetics (formerly Invitae), Labcorp
Classification: Uncertain significance for Brachyolmia-amelogenesis imperfecta syndrome. Last evaluated: 2021-12-03. Review status: criteria provided, single submitter. Criteria: Invitae Variant Classification Sherloc (09022015). Collection method: clinical testing. Allele origin: germline.
Comment: In summary, the available evidence is currently insufficient to determine the role of this variant in disease. Therefore, it has been classified as a Variant of Uncertain Significance. Algorithms developed to predict the effect of missense changes on protein structure and function are either unavailable or do not agree on the potential impact of this missense change (SIFT: "Deleterious"; PolyPhen-2: "Benign"; Align-GVGD: "Class C0"). This variant has not been reported in the literature in individuals affected with LTBP3-related conditions. This variant is not present in population databases (gnomAD no frequency). This sequence change replaces valine, which is neutral and non-polar, with methionine, which is neutral and non-polar, at codon 179 of the LTBP3 protein (p.Val179Met).

NM_001130144.3(LTBP3):c.535G>A (p.Val179Met)

Gene: LTBP3 (latent transforming growth factor beta binding protein 3; minus strand). Cytogenetic location: 11q13.1.
Variant type: single nucleotide variant.
Coding change: c.535G>A on transcript NM_001130144.3 (MANE Select); coding-DNA position 535, G replaced by A.
Protein change: p.Val179Met; replaces valine 179 with methionine.
Molecular consequence: missense variant.
Genome position (GRCh38, 1-based): chr11:65,554,177, C>T on the plus strand (G>A on the coding strand, the complement: LTBP3 is on the minus strand). VCF-style: chr11-65554177-C-T. GRCh37 (hg19) VCF-style: chr11-65321648-C-T.
Other names: c.184G>A, p.Val62Met (NM_001164266.1); c.535G>A, p.Val179Met (NM_021070.4); c.535G>A (NM_001130144.2); short protein forms V179M, V62M.
Identifiers: ClinVar variation 1509327 (VCV001509327.7), dbSNP rs1158791095, ClinGen allele CA381276434.